The following is an entry in ClinVar:

ClinVar aggregate classification (germline): Likely benign. Review status: criteria provided, multiple submitters, no conflicts (2 of 4 stars). 3 submissions from 3 submitters: Likely benign (2). 1 of the submissions does not count toward it. Last evaluated 2025-06-30.

Conditions:
ANKRD1-related disorder. Also called: ANKRD1-related condition.
Congenital total pulmonary venous return anomaly (TAPVR1). Also called: TOTAL ANOMALOUS PULMONARY VENOUS RETURN 1; Total anomalous pulmonary venous return. Identifiers: Orphanet 99125, MedGen C4551903, MONDO:0007130, OMIM 106700, HP:0005160.

Submissions (3):

PreventionGenetics, part of Exact Sciences
Classification: Likely benign for ANKRD1-related condition. Last evaluated: 2025-06-30. Review status: criteria provided, single submitter. Criteria: ACMG Guidelines, 2015. Collection method: clinical testing. Allele origin: germline.
Comment: This variant is classified as likely benign based on ACMG/AMP sequence variant interpretation guidelines (Richards et al. 2015 PMID: 25741868, with internal and published modifications).

Genome Diagnostics Laboratory, University Medical Center Utrecht
Classification: Likely benign for Congenital total pulmonary venous return anomaly. Last evaluated: 2017-05-16. Review status: criteria provided, single submitter. Criteria: ACGS Guidelines, 2013. Collection method: clinical testing. Allele origin: germline. Affected: yes. Study: VKGL Data-share Consensus.

Clinical Genetics, Academic Medical Center
Classification: Benign. Review status: no assertion criteria provided. Collection method: clinical testing. Allele origin: germline. Affected: yes. Study: VKGL Data-share Consensus. Not counted in ClinVar's aggregate classification.

NM_014391.3(ANKRD1):c.346-16_346-15insATA

Gene: ANKRD1 (ankyrin repeat domain 1; minus strand). Cytogenetic location: 10q23.31.
Variant type: Insertion.
Coding change: c.346-16_346-15insATA on transcript NM_014391.3 (MANE Select); 16 bases into the intron before coding-DNA position 346 through 15 bases into the intron before coding-DNA position 346, ATA inserted.
Molecular consequence: intron variant.
Genome position: GRCh38 VCF-style: chr10-90918987-A-ATAT. GRCh37 (hg19) VCF-style: chr10-92678744-A-ATAT.
Identifiers: ClinVar variation 522240 (VCV000522240.5), dbSNP rs60923931, ClinGen allele CA595185719.